The following is an entry in ClinVar:

NM_001002295.2(GATA3):c.1128C>A (p.Cys376Ter)

Gene: GATA3 (GATA binding protein 3; plus strand). Cytogenetic location: 10p14.
Variant type: single nucleotide variant.
Coding change: c.1128C>A on transcript NM_001002295.2 (MANE Select); coding-DNA position 1128, C replaced by A.
Protein change: p.Cys376Ter; replaces cysteine 376 with a stop codon.
Molecular consequence: nonsense. On other transcripts: 3 prime UTR variant (6).
Genome position (GRCh38, 1-based): chr10:8,073,816, C>A. VCF-style: chr10-8073816-C-A. GRCh37 (hg19) VCF-style: chr10-8115779-C-A.
Other names: c.1128C>A, p.Cys376Ter (NM_001441115.1, NM_001441116.1, NM_001441117.1 and 6 more transcripts); c.1125C>A, p.Cys375Ter (NM_001441124.1, NM_001441125.1, NM_001441126.1 and 3 more transcripts); c.*16C>A (NM_001441129.1, NM_001441130.1, NM_001441131.1 and 2 more transcripts); c.*73C>A (NM_001441134.1); c.249C>A, p.Cys83Ter (NM_001441135.1); short protein forms C83*, C375*, C376*.
Identifiers: ClinVar variation 4993684 (VCV004993684.1).
Genomic context (GRCh38, chr10:8,073,816, plus strand): 5'-TATGAAGAAGGAAGGCATCCAGACCAGAAACCGAAAAATGTCTAGCAAATCCAAAAAGTG[C>A]AAAAAAGTGCATGACTCACTGGAGGACTTCCCCAAGAACAGCTCGTTTAACCCGGCCGCC-3'

ClinVar aggregate classification (germline): Likely pathogenic (1 of 4 stars; one submission).

Conditions:
GATA3-related disorder. Also called: GATA3-related condition.

Submission:

PreventionGenetics, part of Exact Sciences
Classification: Likely pathogenic for GATA3-related condition. Last evaluated: 2026-02-23. Review status: criteria provided, single submitter. Criteria: ACMG Guidelines, 2015. Collection method: clinical testing. Allele origin: germline.
Comment: The GATA3 c.1128C>A variant is predicted to result in premature protein termination (p.Cys376*). To our knowledge, this variant has not been reported in the literature or in a large population database (gnomAD), indicating this variant is rare. While this variant is located in the terminal exon and is not predicted to cause nonsense mediated decay of the transcript, truncating variants downstream of the p.Cys376* variant have been reported in individuals with hypoparathyroidism, deafness, and renal dysplasia (see for example: Human Gene Mutation Database; ClinVar Variation IDs: 426472, 817802). This variant is interpreted as likely pathogenic.